The following is an entry in ClinVar:

NM_001352754.2(ARMC9):c.1153G>T (p.Asp385Tyr)

Gene: ARMC9 (armadillo repeat containing 9; plus strand). Cytogenetic location: 2q37.1.
Variant type: single nucleotide variant.
Coding change: c.1153G>T on transcript NM_001352754.2 (MANE Select); coding-DNA position 1153, G replaced by T.
Protein change: p.Asp385Tyr; replaces aspartic acid 385 with tyrosine.
Molecular consequence: missense variant. On other transcripts: non-coding transcript variant (1).
Genome position (GRCh38, 1-based): chr2:231,271,015, G>T. VCF-style: chr2-231271015-G-T. GRCh37 (hg19) VCF-style: chr2-232135728-G-T.
Other names: c.1153G>T, p.Asp385Tyr (NM_001271466.4, NM_001291656.2, NM_001352755.2 and 3 more transcripts); c.1054G>T, p.Asp352Tyr (NM_001352757.2, NM_001352758.2); short protein forms D385Y, D352Y.
Identifiers: ClinVar variation 2004821 (VCV002004821.4), dbSNP rs141090328, ClinGen allele CA350953645.

ClinVar aggregate classification (germline): Uncertain significance (1 of 4 stars; one submission).

gnomAD v4.1: 1 of 1,614,178 alleles (0.000062%); highest among the groups gnomAD compares: Non-Finnish European, 0.000085%; no homozygotes.

Submission:

Labcorp Genetics (formerly Invitae), Labcorp
Classification: Uncertain significance. Last evaluated: 2022-06-11. Review status: criteria provided, single submitter. Criteria: Invitae Variant Classification Sherloc (09022015). Collection method: clinical testing. Allele origin: germline.
Comment: In summary, the available evidence is currently insufficient to determine the role of this variant in disease. Therefore, it has been classified as a Variant of Uncertain Significance. Experimental studies and prediction algorithms are not available or were not evaluated, and the functional significance of this variant is currently unknown. This variant has not been reported in the literature in individuals affected with ARMC9-related conditions. This variant is not present in population databases (gnomAD no frequency). This sequence change replaces aspartic acid, which is acidic and polar, with tyrosine, which is neutral and polar, at codon 385 of the ARMC9 protein (p.Asp385Tyr).